The following is an entry in ClinVar:

ClinVar aggregate classification (germline): Uncertain significance (1 of 4 stars; one submission).

Submission:

Labcorp Genetics (formerly Invitae), Labcorp
Classification: Uncertain significance. Last evaluated: 2025-07-16. Review status: criteria provided, single submitter. Criteria: Invitae Variant Classification Sherloc (09022015). Collection method: clinical testing. Allele origin: germline.
Comment: This sequence change replaces isoleucine, which is neutral and non-polar, with leucine, which is neutral and non-polar, at codon 872 of the SAMD9 protein (p.Ile872Leu). This variant is not present in population databases (gnomAD no frequency). This variant has not been reported in the literature in individuals affected with SAMD9-related conditions. ClinVar contains an entry for this variant (Variation ID: 2752575). Invitae Evidence Modeling of protein sequence and biophysical properties (such as structural, functional, and spatial information, amino acid conservation, physicochemical variation, residue mobility, and thermodynamic stability) has been performed for this missense variant. However, the output from this modeling did not meet the statistical confidence thresholds required to predict the impact of this variant on SAMD9 protein function. In summary, the available evidence is currently insufficient to determine the role of this variant in disease. Therefore, it has been classified as a Variant of Uncertain Significance.

NM_017654.4(SAMD9):c.2614A>C (p.Ile872Leu)

Gene: SAMD9 (sterile alpha motif domain containing 9; minus strand). Cytogenetic location: 7q21.2.
Variant type: single nucleotide variant.
Coding change: c.2614A>C on transcript NM_017654.4 (MANE Select); coding-DNA position 2614, A replaced by C.
Protein change: p.Ile872Leu; replaces isoleucine 872 with leucine.
Molecular consequence: missense variant.
Genome position (GRCh38, 1-based): chr7:93,103,484, T>G on the plus strand (A>C on the coding strand, the complement: SAMD9 is on the minus strand). VCF-style: chr7-93103484-T-G. GRCh37 (hg19) VCF-style: chr7-92732797-T-G.
Other names: c.2614A>C, p.Ile872Leu (NM_001193307.2); short protein forms I872L.
Identifiers: ClinVar variation 2752575 (VCV002752575.3), dbSNP rs2535357773, ClinGen allele CA368189944.